The following is an entry in ClinVar:

ClinVar aggregate classification (germline): Uncertain significance (1 of 4 stars; one submission).

Conditions:
Beckwith-Wiedemann syndrome (BWS). Also called: EMG SYNDROME; Exomphalos macroglossia gigantism syndrome. Identifiers: Orphanet 116, MedGen C0004903, MONDO:0007534, OMIM 130650.

Submission:

Labcorp Genetics (formerly Invitae), Labcorp
Classification: Uncertain significance for Beckwith-Wiedemann syndrome. Last evaluated: 2020-03-03. Review status: criteria provided, single submitter. Criteria: Invitae Variant Classification Sherloc (09022015). Collection method: clinical testing. Allele origin: germline.
Comment: This variant has not been reported in the literature in individuals with CDKN1C-related conditions. In summary, the available evidence is currently insufficient to determine the role of this variant in disease. Therefore, it has been classified as a Variant of Uncertain Significance. Experimental studies and prediction algorithms are not available or were not evaluated, and the functional significance of this variant is currently unknown. The frequency data for this variant in the population databases is considered unreliable, as metrics indicate insufficient coverage at this position in the ExAC database. This sequence change replaces valine with leucine at codon 141 of the CDKN1C protein (p.Val141Leu). The valine residue is weakly conserved and there is a small physicochemical difference between valine and leucine.

NM_001122630.2(CDKN1C):c.388G>C (p.Val130Leu)

Gene: CDKN1C (cyclin dependent kinase inhibitor 1C; minus strand). Cytogenetic location: 11p15.4.
Variant type: single nucleotide variant.
Coding change: c.388G>C on transcript NM_001122630.2 (MANE Select); coding-DNA position 388, G replaced by C.
Protein change: p.Val130Leu; replaces valine 130 with leucine.
Molecular consequence: missense variant. On other transcripts: intron variant (1).
Genome position (GRCh38, 1-based): chr11:2,885,069, C>G on the plus strand (G>C on the coding strand, the complement: CDKN1C is on the minus strand). VCF-style: chr11-2885069-C-G. GRCh37 (hg19) VCF-style: chr11-2906299-C-G.
Other names: c.421G>C, p.Val141Leu (NM_000076.2, NM_001362474.2); c.388G>C, p.Val130Leu (NM_001122631.2); c.255+133G>C (NM_001362475.2); short protein forms V130L, V141L.
Identifiers: ClinVar variation 1018105 (VCV001018105.9), dbSNP rs1848957156, ClinGen allele CA379146729.